The following is an entry in ClinVar:

ClinVar aggregate classification (germline): Likely pathogenic (1 of 4 stars; one submission).

Allele frequency attached by ClinVar (database versions not stated): TOPMed below 0.00001; gnomAD 0.00001; gnomAD exomes 0.00001.
gnomAD v4.1: 12 of 1,614,036 alleles (0.00074%); highest among the groups gnomAD compares: Non-Finnish European, 0.001%; no homozygotes.

Submission:

GeneDx
Classification: Likely pathogenic. Last evaluated: 2021-12-08. Review status: criteria provided, single submitter. Criteria: GeneDx Variant Classification Process June 2021. Collection method: clinical testing. Allele origin: germline. Affected: yes.
Comment: In silico analysis, which includes protein predictors and evolutionary conservation, supports a deleterious effect; Not observed at significant frequency in large population cohorts (Lek et al., 2016); This variant is associated with the following publications: (PMID: 22200994, 28247337, 22310368, 33233646)

NM_004544.4(NDUFA10):c.296G>A (p.Gly99Glu)

Gene: NDUFA10 (NADH:ubiquinone oxidoreductase subunit A10; minus strand). Cytogenetic location: 2q37.3.
Variant type: single nucleotide variant.
Coding change: c.296G>A on transcript NM_004544.4 (MANE Select); coding-DNA position 296, G replaced by A.
Protein change: p.Gly99Glu; replaces glycine 99 with glutamic acid.
Molecular consequence: missense variant. On other transcripts: non-coding transcript variant (4).
Genome position (GRCh38, 1-based): chr2:240,021,361, C>T on the plus strand (G>A on the coding strand, the complement: NDUFA10 is on the minus strand). VCF-style: chr2-240021361-C-T. GRCh37 (hg19) VCF-style: chr2-240960778-C-T.
Other names: c.296G>A, p.Gly99Glu (NM_001322019.2, NM_001322020.2); short protein forms G99E.
Identifiers: ClinVar variation 1327627 (VCV001327627.2), dbSNP rs771444488, ClinGen allele CA68070082.